The following continues an entry in ClinVar:

NM_000350.3(ABCA4):c.6079C>T (p.Leu2027Phe)

Gene: ABCA4. ClinVar aggregate classification (germline): Pathogenic/Likely pathogenic. Pathogenic (19); Likely pathogenic (1).

Submissions 10 to 24 of 24:

Victorian Clinical Genetics Services, Murdoch Childrens Research Institute
Classification: Pathogenic for Severe early-childhood-onset retinal dystrophy. Last evaluated: 2022-06-24. Review status: criteria provided, single submitter. Criteria: ACMG Guidelines, 2015. Collection method: clinical testing. Allele origin: germline. Inheritance: Autosomal recessive inheritance. Affected: yes.
Comment: Based on the classification scheme VCGS_Germline_v1.3.4, this variant is classified as Pathogenic. Following criteria are met: 0102 - Loss of function is a known mechanism of disease in this gene and is associated with Stargardt disease 1 (MIM#248200). (I) 0106 - This gene is associated with autosomal recessive disease. (I) 0115 - Variants in this gene are known to have variable expressivity (PMID: 31522899). (I) 0200 - Variant is predicted to result in a missense amino acid change from leucine to phenylalanine. (I) 0251 - This variant is heterozygous. (I) 0304 - Variant is present in gnomAD <0.01 (v2 & v3) for a recessive condition (74 heterozygotes, 0 homozygotes). (SP) 0502 - Missense variant with conflicting in silico predictions and uninformative conservation. (I) 0600 - Variant is located in the annotated ABC transporter domain (DECIPHER). (I) 0801 - This variant has very strong previous evidence of pathogenicity in unrelated individuals. It has been reported in multiple individuals with autosomal recessive Stargardt disease (ClinVar, PMID: 23695285). (SP) 1208 - Inheritance information for this variant is not currently available in this individual. (I) Legend: (SP) - Supporting pathogenic, (I) - Information, (SB) - Supporting benign

Mendelics
Classification: Pathogenic for Age related macular degeneration 2. Last evaluated: 2022-05-04. Review status: criteria provided, single submitter. Criteria: Mendelics Assertion Criteria 2019. Collection method: clinical testing. Allele origin: germline.

Institute of Medical Molecular Genetics, University of Zurich
Classification: Likely pathogenic for Severe early-childhood-onset retinal dystrophy. Last evaluated: 2021-01-30. Review status: criteria provided, single submitter. Criteria: ACMG Guidelines, 2015. Collection method: clinical testing. Allele origin: unknown. Affected: yes.

Institute of Human Genetics, University of Leipzig Medical Center
Classification: Pathogenic for Severe early-childhood-onset retinal dystrophy. Last evaluated: 2020-01-17. Review status: criteria provided, single submitter. Criteria: ACMG Guidelines, 2015. Collection method: clinical testing. Allele origin: unknown. Inheritance: Autosomal recessive inheritance. Affected: yes.
Comment: Criteria applied: PS3,PM3_STR,PP3

Institute of Human Genetics, University of Leipzig Medical Center
Classification: Pathogenic for Cone-rod dystrophy 3. Last evaluated: 2019-01-01. Review status: criteria provided, single submitter. Criteria: ACMG Guidelines, 2015. Collection method: clinical testing. Allele origin: unknown. Affected: yes.

Fulgent Genetics
Classification: Pathogenic for Age related macular degeneration 2; Severe early-childhood-onset retinal dystrophy; Retinitis pigmentosa 19; Cone-rod dystrophy 3. Last evaluated: 2018-10-31. Review status: criteria provided, single submitter. Criteria: ACMG Guidelines, 2015. Collection method: clinical testing. Allele origin: unknown.

Eurofins Ntd Llc (ga)
Classification: Pathogenic. Last evaluated: 2018-06-18. Review status: criteria provided, single submitter. Criteria: EGL ClinVar v180209 classification definitions. Collection method: clinical testing. Allele origin: germline. Observed: 3 variant alleles, 3 heterozygotes.

Knight Diagnostic Laboratories, Oregon Health and Sciences University
Classification: Pathogenic. Last evaluated: 2018-05-11. Review status: criteria provided, single submitter. Criteria: ACMG Guidelines, 2015. Collection method: clinical testing. Allele origin: germline. Observed: 1 variant allele.

Laboratory for Molecular Medicine, Mass General Brigham Personalized Medicine
Classification: Pathogenic for Stargardt disease. Last evaluated: 2016-11-10. Review status: criteria provided, single submitter. Criteria: LMM Criteria. Collection method: clinical testing. Allele origin: germline. Inheritance: Autosomal recessive inheritance. Observed: 1 variant allele.
Comment: The p.Leu2027Phe variant in ABCA4 has been reported in over 30 individuals with Stargardt disease, including 28 compound heterozygous and 3 homozygous individua ls (Allikmets 1997, Bertelsen 2014, Heathfield 2013, Fujinami 2013). Of note, t he individuals homozygous for this variant presented with a later onset and mild er phenotype (Fujinami 2013, Heathfield 2013). The variant has been identified i n 23/66736 of European chromosomes by the Exome Aggregation Consortium (ExAC; dbSNP rs61751408). Although this variant has been seen in the general population, its frequency is low enough to be consistent wit h a recessive carrier frequency. In vitro functional studies provide some evide nce that the p.Leu2027Phe variant may impact protein function (Biswas 2000). In summary, this variant meets criteria to be classified as pathogenic for Stargard t disease in an autosomal recessive manner based upon observation in patients wi th this disease and functional evidence.

CeGaT Center for Human Genetics Tuebingen
Classification: Pathogenic. Last evaluated: 2016-11-01. Review status: criteria provided, single submitter. Criteria: CeGaT Center For Human Genetics Tuebingen Variant Classification Criteria Version 2. Collection method: clinical testing. Allele origin: germline. Affected: yes. Observed: 1 variant allele.

Institute of Human Genetics, Univ. Regensburg, Univ. Regensburg
Classification: Pathogenic for Severe early-childhood-onset retinal dystrophy. Last evaluated: 2016-01-01. Review status: criteria provided, single submitter. Criteria: Schulz et al. (Invest Ophthalmol Vis Sci. 2017). Collection method: clinical testing. Allele origin: germline. Affected: yes. Observed: 4 heterozygotes.

OMIM
Classification: Pathogenic for STARGARDT DISEASE 1. Last evaluated: 2003-06-01. Review status: no assertion criteria provided. Collection method: literature only. Allele origin: germline. Not counted in ClinVar's aggregate classification.

OMIM
Classification: Pathogenic for CONE-ROD DYSTROPHY 3. Last evaluated: 2003-06-01. Review status: no assertion criteria provided. Collection method: literature only. Allele origin: germline. Not counted in ClinVar's aggregate classification.

Department of Pathology and Laboratory Medicine, Sinai Health System
Classification: Pathogenic. Review status: no assertion criteria provided. Collection method: clinical testing. Allele origin: unknown. Affected: yes. Study: The Canadian Open Genetics Repository (COGR). Not counted in ClinVar's aggregate classification.
Comment: The ABCA4 p.Leu2027Phe variant was identified in 44 of 428 proband chromosomes (frequency: 0.103) from individuals or families with Stargardt Disease, Cone-Rod dystrophy or ABCA4-Associated Retinopathies (Maugeri_1999_PMID:10090887; Bertelsen_2014_PMID:24713488; Heathfield_2013_PMID:23695285, Fishman_2003_PMID:12796258). The variant was identified in dbSNP (ID: rs61751408) and in ClinVar (classified as pathogenic by EGL Genetic Diagnostics, Fulgent Genetics, GeneDx and Institute of Human Genetics, Univ. Regensburg). The variant was also identified in control databases in 56 of 282804 chromosomes at a frequency of 0.000198 (Genome Aggregation Database Feb 27, 2017). The variant was observed in the following populations: European (non-Finnish) in 45 of 129122 chromosomes (freq: 0.000349), African in 8 of 24968 chromosomes (freq: 0.00032), Other in 1 of 7222 chromosomes (freq: 0.000139) and Latino in 2 of 35436 chromosomes (freq: 0.000056); it was not observed in the Ashkenazi Jewish, East Asian, European (Finnish) and South Asian populations. The variant occurs outside of the splicing consensus sequence and in silico or computational prediction software programs (SpliceSiteFinder, MaxEntScan, NNSPLICE, GeneSplicer) do not predict a difference in splicing. The p.Leu2027 residue is conserved in mammals and computational analyses (PolyPhen-2, SIFT, AlignGVGD, BLOSUM, MutationTaster) provide inconsistent predictions regarding the impact to the protein. However, in vitro functional studies of the L2027F variant have demonstrated biochemical defects leading to lower protein functionality and altered ATPase function (Sun_2000_PMID: 11017087; Biswas_2000_PMID: 11123914). In summary, based on the above information this variant meets our laboratoryâ€šÃ„Ã´s criteria to be classified as pathogenic.

Retina International
No classification provided. Review status: no classification provided. Collection method: not provided. Allele origin: not provided. Not counted in ClinVar's aggregate classification.

Literature cited by the submitters: PubMed 28559085 (cited by Labcorp Genetics (formerly Invitae), Labcorp and Institute of Human Genetics, Univ. Regensburg, Univ. Regensburg); PubMed 29847635 (cited by 3 submitters); PubMed 35456422 (cited by 3billion and Institute of Human Genetics, Univ. Regensburg, Univ. Regensburg); PubMed 9054934 (cited by 5 submitters); PubMed 35076026 (cited by 3billion and Institute of Human Genetics, Univ. Regensburg, Univ. Regensburg); PubMed 35119454 (cited by 3billion and Institute of Human Genetics, Univ. Regensburg, Univ. Regensburg); PubMed 34946930 (cited by 3billion and Institute of Human Genetics, Univ. Regensburg, Univ. Regensburg); PubMed 33546218 (cited by Variantyx, Inc.); PubMed 23695285 (cited by 6 submitters); PubMed 32845050 (cited by Variantyx, Inc. and Institute of Human Genetics, Univ. Regensburg, Univ. Regensburg); PubMed 11123914 (cited by 4 submitters); PubMed 11017087 (cited by Molecular Genetics, Royal Melbourne Hospital); PubMed 23769331 (cited by Molecular Genetics, Royal Melbourne Hospital and Laboratory for Molecular Medicine, Mass General Brigham Personalized Medicine); PubMed 19074458 (cited by 3 submitters); PubMed 24713488 (cited by 3 submitters); PubMed 29555955 (cited by Institute of Human Genetics, Univ. Regensburg, Univ. Regensburg); PubMed 29310964 (cited by Institute of Human Genetics, Univ. Regensburg, Univ. Regensburg); PubMed 30093795 (cited by Institute of Human Genetics, Univ. Regensburg, Univ. Regensburg); PubMed 31589614 (cited by Institute of Human Genetics, Univ. Regensburg, Univ. Regensburg); PubMed 30609409 (cited by Institute of Human Genetics, Univ. Regensburg, Univ. Regensburg); PubMed 29925512 (cited by Institute of Human Genetics, Univ. Regensburg, Univ. Regensburg); PubMed 31964843 (cited by Institute of Human Genetics, Univ. Regensburg, Univ. Regensburg); PubMed 31429209 (cited by Institute of Human Genetics, Univ. Regensburg, Univ. Regensburg); PubMed 32810830 (cited by Institute of Human Genetics, Univ. Regensburg, Univ. Regensburg); PubMed 32307445 (cited by Institute of Human Genetics, Univ. Regensburg, Univ. Regensburg); PubMed 32531858 (cited by Institute of Human Genetics, Univ. Regensburg, Univ. Regensburg); PubMed 33706644 (cited by Institute of Human Genetics, Univ. Regensburg, Univ. Regensburg); PubMed 34795310 (cited by Institute of Human Genetics, Univ. Regensburg, Univ. Regensburg); PubMed 36460718 (cited by Institute of Human Genetics, Univ. Regensburg, Univ. Regensburg); PubMed 36672815 (cited by Institute of Human Genetics, Univ. Regensburg, Univ. Regensburg); PubMed 31522899 (cited by Victorian Clinical Genetics Services, Murdoch Childrens Research Institute); PubMed 10880298 (cited by OMIM); PubMed 9490294 (cited by OMIM); PubMed 12796258 (cited by OMIM).